The following is an entry in ClinVar:

ClinVar aggregate classification (germline): Uncertain significance (1 of 4 stars; one submission).

Conditions:
Dyskeratosis congenita. Identifiers: Orphanet 1775, MedGen C0265965, MONDO:0015780.

Allele frequency attached by ClinVar (database versions not stated): gnomAD exomes below 0.00001.
gnomAD v4.1: 1 of 1,581,530 alleles (0.000063%); highest among the groups gnomAD compares: Middle Eastern, 0.017%; no homozygotes.

Submission:

Ambry Genetics
Classification: Uncertain significance for Dyskeratosis congenita. Last evaluated: 2023-02-09. Review status: criteria provided, single submitter. Criteria: Ambry Variant Classification Scheme 2023. Collection method: clinical testing. Allele origin: germline.
Comment: The p.G109E variant (also known as c.326G>A), located in coding exon 2 of the TERT gene, results from a G to A substitution at nucleotide position 326. The glycine at codon 109 is replaced by glutamic acid, an amino acid with similar properties. This amino acid position is conserved. In addition, the in silico prediction for this alteration is inconclusive. Since supporting evidence is limited at this time, the clinical significance of this alteration remains unclear.

NM_198253.3(TERT):c.326G>A (p.Gly109Glu)

Gene: TERT (telomerase reverse transcriptase; minus strand). Cytogenetic location: 5p15.33.
Variant type: single nucleotide variant.
Coding change: c.326G>A on transcript NM_198253.3 (MANE Select); coding-DNA position 326, G replaced by A.
Protein change: p.Gly109Glu; replaces glycine 109 with glutamic acid.
Molecular consequence: missense variant. On other transcripts: non-coding transcript variant (2).
Genome position (GRCh38, 1-based): chr5:1,294,560, C>T on the plus strand (G>A on the coding strand, the complement: TERT is on the minus strand). VCF-style: chr5-1294560-C-T. GRCh37 (hg19) VCF-style: chr5-1294675-C-T.
Other names: c.326G>A, p.Gly109Glu (NM_001193376.3, NM_003219.1); short protein forms G109E.
Identifiers: ClinVar variation 3238604 (VCV003238604.1), dbSNP rs1579598792.